The following is an entry in ClinVar:

ClinVar aggregate classification (germline): Uncertain significance (1 of 4 stars; one submission).

Submission:

Labcorp Genetics (formerly Invitae), Labcorp
Classification: Uncertain significance. Last evaluated: 2025-12-02. Review status: criteria provided, single submitter. Criteria: Invitae Variant Classification Sherloc (09022015). Collection method: clinical testing. Allele origin: germline.
Comment: This sequence change replaces valine, which is neutral and non-polar, with methionine, which is neutral and non-polar, at codon 293 of the FGFR3 protein (p.Val293Met). This variant is present in population databases (no rsID available, gnomAD 0.02%). This variant has not been reported in the literature in individuals affected with FGFR3-related conditions. Invitae Evidence Modeling of protein sequence and biophysical properties (such as structural, functional, and spatial information, amino acid conservation, physicochemical variation, residue mobility, and thermodynamic stability) has been performed for this missense variant. However, the output from this modeling did not meet the statistical confidence thresholds required to predict the impact of this variant on FGFR3 protein function. In summary, the available evidence is currently insufficient to determine the role of this variant in disease. Therefore, it has been classified as a Variant of Uncertain Significance.

NM_000142.5(FGFR3):c.877G>A (p.Val293Met)

Gene: FGFR3 (fibroblast growth factor receptor 3; plus strand). Cytogenetic location: 4p16.3.
Variant type: single nucleotide variant.
Coding change: c.877G>A on transcript NM_000142.5 (MANE Select); coding-DNA position 877, G replaced by A.
Protein change: p.Val293Met; replaces valine 293 with methionine.
Molecular consequence: missense variant. On other transcripts: non-coding transcript variant (1).
Genome position (GRCh38, 1-based): chr4:1,801,972, G>A. VCF-style: chr4-1801972-G-A. GRCh37 (hg19) VCF-style: chr4-1803699-G-A.
Other names: c.877G>A, p.Val293Met (NM_001163213.2, NM_001354809.2, NM_001354810.2 and 1 more transcripts); short protein forms V293M.
Identifiers: ClinVar variation 4802674 (VCV004802674.1).